The following is an entry in ClinVar:

ClinVar aggregate classification (germline): Conflicting classifications of pathogenicity. Review status: criteria provided, conflicting classifications (1 of 4 stars). 5 submissions from 5 submitters: Uncertain significance (1); Benign (2); Likely benign (2). Last evaluated 2025-08-24.

Conditions:
Hereditary cancer-predisposing syndrome. Also called: Neoplastic Syndromes, Hereditary; Hereditary neoplastic syndrome; Tumor predisposition; Hereditary Cancer Syndrome. Identifiers: Orphanet 140162, MedGen C0027672, MeSH D009386, MONDO:0015356.
Hereditary pheochromocytoma and paraganglioma. Also called: Hereditary Paraganglioma-Pheochromocytoma Syndromes; Hereditary paragangliomas and pheochromocytomas; Hereditary pheochromocytoma-paraganglioma. Identifiers: Orphanet 29072, MedGen C4274332, MONDO:0017366.

Allele frequency attached by ClinVar (database versions not stated): gnomAD exomes 0.00001; ExAC 0.00002; gnomAD 0.00002 and 0.00003; TOPMed 0.00004.
gnomAD v4.1: 9 of 1,614,076 alleles (0.00056%); highest among the groups gnomAD compares: African/African-American, 0.011%; no homozygotes.

Submissions (5):

Labcorp Genetics (formerly Invitae), Labcorp
Classification: Likely benign for Hereditary pheochromocytoma and paraganglioma. Last evaluated: 2025-08-24. Review status: criteria provided, single submitter. Criteria: Invitae Variant Classification Sherloc (09022015). Collection method: clinical testing. Allele origin: germline.

GeneDx
Classification: Uncertain significance. Last evaluated: 2023-09-12. Review status: criteria provided, single submitter. Criteria: GeneDx Variant Classification Process June 2021. Collection method: clinical testing. Allele origin: germline. Affected: yes.
Comment: Has not been previously published as pathogenic or benign to our knowledge; In silico analysis suggests this variant may impact gene splicing. In the absence of RNA/functional studies, the actual effect of this sequence change is unknown.

All of Us Research Program, National Institutes of Health
Classification: Benign for Hereditary pheochromocytoma and paraganglioma. Last evaluated: 2023-08-14. Review status: criteria provided, single submitter. Criteria: ACMG Guidelines, 2015. Collection method: clinical testing. Allele origin: germline. Inheritance: Autosomal dominant inheritance. Observed: 3 variant alleles, 3 heterozygotes.
Comment: This study involves interpretation of variants in research participants for the purpose of population health screening. Participant phenotype was not available at the time of variant classification. Additional details can be found in publication PMID: 35346344, PMCID: PMC8962531

Color Diagnostics, LLC DBA Color Health
Classification: Benign for Hereditary pheochromocytoma and paraganglioma. Last evaluated: 2022-12-19. Review status: criteria provided, single submitter. Criteria: ACMG Guidelines, 2015. Collection method: clinical testing. Allele origin: germline.

Ambry Genetics
Classification: Likely benign for Hereditary cancer-predisposing syndrome. Last evaluated: 2021-10-08. Review status: criteria provided, single submitter. Criteria: Ambry Variant Classification Scheme 2023. Collection method: clinical testing. Allele origin: germline.

NM_017841.4(SDHAF2):c.371-4G>T

Gene: SDHAF2 (succinate dehydrogenase complex assembly factor 2; plus strand). Cytogenetic location: 11q12.2.
Variant type: single nucleotide variant.
Coding change: c.371-4G>T on transcript NM_017841.4 (MANE Select); 4 bases into the intron before coding-DNA position 371, G replaced by T.
Molecular consequence: intron variant.
Genome position (GRCh38, 1-based): chr11:61,445,937, G>T. VCF-style: chr11-61445937-G-T. GRCh37 (hg19) VCF-style: chr11-61213409-G-T.
Identifiers: ClinVar variation 486406 (VCV000486406.21), dbSNP rs775160119, ClinGen allele CA059077.